The following is an entry in ClinVar:

ClinVar aggregate classification (germline): Likely pathogenic (1 of 4 stars; one submission).

Conditions:
Mucopolysaccharidosis, MPS-II (MPS2). Also called: Mucopolysaccharidosis with skin involvement; Mucopolysaccharidosis type 2; Attenuated MPS (subtype; formerly known as mild MPS II); Severe MPS II; I2S deficiency; MPS 2. Identifiers: Orphanet 580, Orphanet 79388, MedGen C0026705, MONDO:0010674, OMIM 309900.

Submission:

Laboratory of Diagnosis and Therapy of Lysosomal Disorders, University of Padova
Classification: Likely pathogenic for Mucopolysaccharidosis, MPS-II. Last evaluated: 2024-06-07. Review status: criteria provided, single submitter. Criteria: ACMG Guidelines, 2015. Collection method: literature only. Allele origin: germline. Affected: yes. Observed: 1 variant allele.
Comment: Absent from controls (or at low frequency) in gnomAD database (PM2_Moderate), Missense variant in a gene with a low rate of benign missense variation (PP2_Supporting), Multiple lines of computational evidence support a deleterious effect (PP3_Supporting), Patient’s phenotype or family history highly specific for the disease (PP4_Strong)

Classification method: ACMG Guidelines [PMID:25741868] with modifications

Literature cited by the submitters: PubMed 27896113.

NM_000202.8(IDS):c.1394A>T (p.Gln465Leu)

Gene: IDS (iduronate 2-sulfatase; minus strand). Cytogenetic location: Xq28.
Variant type: single nucleotide variant.
Coding change: c.1394A>T on transcript NM_000202.8 (MANE Select); coding-DNA position 1394, A replaced by T.
Protein change: p.Gln465Leu; replaces glutamine 465 with leucine.
Molecular consequence: missense variant.
Genome position (GRCh38, 1-based): chrX:149,483,005, T>A on the plus strand (A>T on the coding strand, the complement: IDS is on the minus strand). VCF-style: chrX-149483005-T-A. GRCh37 (hg19) VCF-style: chrX-148564536-T-A.
Other names: c.1124A>T, p.Gln375Leu (NM_001166550.4); short protein forms Q465L, Q375L.
Identifiers: ClinVar variation 242445 (VCV000242445.3), dbSNP rs113993951.